The following is an entry in ClinVar:

NM_003200.5(TCF3):c.1942C>G (p.His648Asp)

Gene: TCF3 (transcription factor 3; minus strand). Cytogenetic location: 19p13.3.
Variant type: single nucleotide variant.
Coding change: c.1942C>G on transcript NM_003200.5 (MANE Select); coding-DNA position 1942, C replaced by G.
Protein change: p.His648Asp; replaces histidine 648 with aspartic acid.
Molecular consequence: missense variant.
Genome position (GRCh38, 1-based): chr19:1,611,730, G>C on the plus strand (C>G on the coding strand, the complement: TCF3 is on the minus strand). VCF-style: chr19-1611730-G-C. GRCh37 (hg19) VCF-style: chr19-1611729-G-C.
Other names: c.1933C>G, p.His645Asp (NM_001136139.4, NM_001351779.2); c.1939C>G, p.His647Asp (NM_001351778.2); short protein forms H645D, H647D, H648D.
Identifiers: ClinVar variation 2132682 (VCV002132682.4), dbSNP rs2513085096, ClinGen allele CA403048040.
Genomic context (GRCh38, chr19:1,611,730, plus strand): 5'-CTGAAAGCGGGTGGCTCGTCCCACGGAGGCATACCTTTCACATGTGCCCGGCGGGGTTGT[G>C]GGCTTCGCTCAGGCCTGGGTGGGGAGCTGAAAGCACCATCTGGGGGTCTCCAACCACACC-3'
Protein context (NP_003191.1, residues 638-654): SAPHPGLSEA[His648Asp]NPAGHM

ClinVar aggregate classification (germline): Uncertain significance (1 of 4 stars; one submission).

Submission:

Labcorp Genetics (formerly Invitae), Labcorp
Classification: Uncertain significance. Last evaluated: 2022-10-04. Review status: criteria provided, single submitter. Criteria: Invitae Variant Classification Sherloc (09022015). Collection method: clinical testing. Allele origin: germline.
Comment: In summary, the available evidence is currently insufficient to determine the role of this variant in disease. Therefore, it has been classified as a Variant of Uncertain Significance. Advanced modeling of protein sequence and biophysical properties (such as structural, functional, and spatial information, amino acid conservation, physicochemical variation, residue mobility, and thermodynamic stability) has been performed at Invitae for this missense variant, however the output from this modeling did not meet the statistical confidence thresholds required to predict the impact of this variant on TCF3 protein function. This variant has not been reported in the literature in individuals affected with TCF3-related conditions. This variant is not present in population databases (gnomAD no frequency). This sequence change replaces histidine, which is basic and polar, with aspartic acid, which is acidic and polar, at codon 648 of the TCF3 protein (p.His648Asp).